The following is an entry in ClinVar:

NM_004526.4(MCM2):c.410A>G (p.Tyr137Cys)

Gene: MCM2 (minichromosome maintenance complex component 2; plus strand). Cytogenetic location: 3q21.3.
Variant type: single nucleotide variant.
Coding change: c.410A>G on transcript NM_004526.4 (MANE Select); coding-DNA position 410, A replaced by G.
Protein change: p.Tyr137Cys; replaces tyrosine 137 with cysteine.
Molecular consequence: missense variant. On other transcripts: non-coding transcript variant (1).
Genome position (GRCh38, 1-based): chr3:127,604,781, A>G. VCF-style: chr3-127604781-A-G. GRCh37 (hg19) VCF-style: chr3-127323624-A-G.
Other names: c.410A>G (NM_004526.2); short protein forms Y137C.
Identifiers: ClinVar variation 1374914 (VCV001374914.9), dbSNP rs766538650, ClinGen allele CA2595550.
Genomic context (GRCh38, chr3:127,604,781, plus strand): 5'-TGCGGCAGCGTGACCGGGAGGCTGGCCGGGGCCTGGGCCGCATGCGCCGTGGGCTCCTGT[A>G]TGGTAGGTCCAGTTGTCTGCCTGCCCGAGGGACTGGGAAGCTGGGAAGGAGTCTGGGAGG-3'
Protein context (NP_004517.2, residues 127-147): GLGRMRRGLL[Tyr137Cys]DSDEEDEERP

ClinVar aggregate classification (germline): Uncertain significance. Review status: criteria provided, multiple submitters, no conflicts (2 of 4 stars). 2 submissions from 2 submitters: Uncertain significance (2). Last evaluated 2025-08-07.

Allele frequency attached by ClinVar (database versions not stated): TOPMed 0.00001; gnomAD 0.00002; gnomAD exomes 0.00005; ExAC 0.00008.
gnomAD v4.1: 33 of 1,587,044 alleles (0.0021%); highest among the groups gnomAD compares: South Asian, 0.028%; 1 homozygote.

Submissions (2):

Labcorp Genetics (formerly Invitae), Labcorp
Classification: Uncertain significance. Last evaluated: 2025-08-07. Review status: criteria provided, single submitter. Criteria: Invitae Variant Classification Sherloc (09022015). Collection method: clinical testing. Allele origin: germline.
Comment: This sequence change replaces tyrosine, which is neutral and polar, with cysteine, which is neutral and slightly polar, at codon 137 of the MCM2 protein (p.Tyr137Cys). This variant is present in population databases (rs766538650, gnomAD 0.03%). This variant has not been reported in the literature in individuals affected with MCM2-related conditions. ClinVar contains an entry for this variant (Variation ID: 1374914). An algorithm developed to predict the effect of missense changes on protein structure and function (PolyPhen-2) suggests that this variant is likely to be disruptive. In summary, the available evidence is currently insufficient to determine the role of this variant in disease. Therefore, it has been classified as a Variant of Uncertain Significance.

Ambry Genetics
Classification: Uncertain significance. Last evaluated: 2025-04-09. Review status: criteria provided, single submitter. Criteria: Ambry Variant Classification Scheme 2023. Collection method: clinical testing. Allele origin: germline.